The following is an entry in ClinVar:

NM_014978.3(SORCS3):c.2691C>T (p.Asn897=)

Gene: SORCS3 (sortilin related VPS10 domain containing receptor 3; plus strand). Cytogenetic location: 10q25.1.
Variant type: single nucleotide variant.
Coding change: c.2691C>T on transcript NM_014978.3 (MANE Select); coding-DNA position 2691, C replaced by T.
Protein change: p.Asn897=; no amino-acid change (asparagine 897 retained).
Molecular consequence: synonymous variant.
Genome position (GRCh38, 1-based): chr10:105,217,079, C>T. VCF-style: chr10-105217079-C-T. GRCh37 (hg19) VCF-style: chr10-106976837-C-T.
Identifiers: ClinVar variation 2640820 (VCV002640820.24), dbSNP rs566206498, ClinGen allele CA5683997.

ClinVar aggregate classification (germline): Likely benign (1 of 4 stars; one submission).

Allele frequency attached by ClinVar (database versions not stated): 1000 Genomes Project 0.00040; gnomAD exomes below 0.00001; gnomAD 0.00001; ExAC 0.00002; 1000 Genomes Project 30x 0.00031.
gnomAD v4.1: 5 of 1,614,160 alleles (0.00031%); highest among the groups gnomAD compares: South Asian, 0.0011%; no homozygotes.

Submission:

CeGaT Center for Human Genetics Tuebingen
Classification: Likely benign. Last evaluated: 2022-05-01. Review status: criteria provided, single submitter. Criteria: CeGaT Center For Human Genetics Tuebingen Variant Classification Criteria Version 2. Collection method: clinical testing. Allele origin: germline. Affected: yes. Observed: 1 variant allele.
Comment: SORCS3: BP4, BP7